The following is an entry in ClinVar:

NM_144670.6(A2ML1):c.1825A>C (p.Asn609His)

Gene: A2ML1 (alpha-2-macroglobulin like 1; plus strand). Cytogenetic location: 12p13.31.
Variant type: single nucleotide variant.
Coding change: c.1825A>C on transcript NM_144670.6 (MANE Select); coding-DNA position 1825, A replaced by C.
Protein change: p.Asn609His; replaces asparagine 609 with histidine.
Molecular consequence: missense variant.
Genome position (GRCh38, 1-based): chr12:8,847,690, A>C. VCF-style: chr12-8847690-A-C. GRCh37 (hg19) VCF-style: chr12-9000286-A-C.
Other names: c.352A>C, p.Asn118His (NM_001282424.3); c.1825A>C (NM_144670.3); short protein forms N118H, N609H.
Identifiers: ClinVar variation 2420146 (VCV002420146.7), dbSNP rs1410458614, ClinGen allele CA383829943.

ClinVar aggregate classification (germline): Uncertain significance. Review status: criteria provided, multiple submitters, no conflicts (2 of 4 stars). 2 submissions from 2 submitters: Uncertain significance (2). Last evaluated 2025-12-16.

Allele frequency attached by ClinVar (database versions not stated): gnomAD exomes below 0.00001; TOPMed below 0.00001; gnomAD 0.00001.
gnomAD v4.1: 4 of 1,611,336 alleles (0.00025%); highest among the groups gnomAD compares: Non-Finnish European, 0.00034%; no homozygotes.

Submissions (2):

Ambry Genetics
Classification: Uncertain significance. Last evaluated: 2025-12-16. Review status: criteria provided, single submitter. Criteria: Ambry Variant Classification Scheme 2023. Collection method: clinical testing. Allele origin: germline.
Comment: The p.N609H variant (also known as c.1825A>C), located in coding exon 15 of the A2ML1 gene, results from an A to C substitution at nucleotide position 1825. The asparagine at codon 609 is replaced by histidine, an amino acid with similar properties. This amino acid position is conserved. In addition, this alteration is predicted to be tolerated by in silico analysis. Based on the available evidence, the clinical significance of this variant remains unclear.

Labcorp Genetics (formerly Invitae), Labcorp
Classification: Uncertain significance. Last evaluated: 2022-02-25. Review status: criteria provided, single submitter. Criteria: Invitae Variant Classification Sherloc (09022015). Collection method: clinical testing. Allele origin: germline.
Comment: In summary, the available evidence is currently insufficient to determine the role of this variant in disease. Therefore, it has been classified as a Variant of Uncertain Significance. Algorithms developed to predict the effect of missense changes on protein structure and function (SIFT, PolyPhen-2, Align-GVGD) all suggest that this variant is likely to be tolerated. This variant has not been reported in the literature in individuals affected with A2ML1-related conditions. This variant is present in population databases (no rsID available, gnomAD 0.004%). This sequence change replaces asparagine, which is neutral and polar, with histidine, which is basic and polar, at codon 609 of the A2ML1 protein (p.Asn609His).